The following is an entry in ClinVar:

ClinVar aggregate classification (germline): Uncertain significance (1 of 4 stars; one submission).

Allele frequency attached by ClinVar (database versions not stated): gnomAD 0.00003; TOPMed 0.00004; ESP Exome Variant Server 0.00015.
gnomAD v4.1: 72 of 1,613,818 alleles (0.0045%); highest among the groups gnomAD compares: Non-Finnish European, 0.0055%; no homozygotes.

Submission:

Labcorp Genetics (formerly Invitae), Labcorp
Classification: Uncertain significance. Last evaluated: 2023-09-08. Review status: criteria provided, single submitter. Criteria: Invitae Variant Classification Sherloc (09022015). Collection method: clinical testing. Allele origin: germline.
Comment: This sequence change replaces arginine, which is basic and polar, with glutamine, which is neutral and polar, at codon 845 of the EGF protein (p.Arg845Gln). This variant is present in population databases (rs148530497, gnomAD 0.005%). This variant has not been reported in the literature in individuals affected with EGF-related conditions. ClinVar contains an entry for this variant (Variation ID: 2418342). Algorithms developed to predict the effect of missense changes on protein structure and function output the following: SIFT: "Not Available"; PolyPhen-2: "Benign"; Align-GVGD: "Not Available". The glutamine amino acid residue is found in multiple mammalian species, which suggests that this missense change does not adversely affect protein function. Algorithms developed to predict the effect of sequence changes on RNA splicing suggest that this variant may disrupt the consensus splice site. In summary, the available evidence is currently insufficient to determine the role of this variant in disease. Therefore, it has been classified as a Variant of Uncertain Significance.

NM_001963.6(EGF):c.2534G>A (p.Arg845Gln)

Gene: EGF (epidermal growth factor; plus strand). Cytogenetic location: 4q25.
Variant type: single nucleotide variant.
Coding change: c.2534G>A on transcript NM_001963.6 (MANE Select); coding-DNA position 2534, G replaced by A.
Protein change: p.Arg845Gln; replaces arginine 845 with glutamine.
Molecular consequence: missense variant. On other transcripts: intron variant (1).
Genome position (GRCh38, 1-based): chr4:109,987,786, G>A. VCF-style: chr4-109987786-G-A. GRCh37 (hg19) VCF-style: chr4-110908942-G-A.
Other names: c.2534G>A, p.Arg845Gln (NM_001178130.3); c.2408G>A, p.Arg803Gln (NM_001178131.3); c.2365+4245G>A (NM_001357021.2); short protein forms R803Q, R845Q.
Identifiers: ClinVar variation 2418342 (VCV002418342.6), dbSNP rs148530497, ClinGen allele CA3043997.